The following is an entry in ClinVar:

NM_005324.5(H3-3B):c.103G>A (p.Gly35Arg)

Gene: H3-3B (H3.3 histone B; minus strand). Cytogenetic location: 17q25.1.
Variant type: single nucleotide variant.
Coding change: c.103G>A on transcript NM_005324.5 (MANE Select); coding-DNA position 103, G replaced by A.
Protein change: p.Gly35Arg; replaces glycine 35 with arginine.
Molecular consequence: missense variant.
Genome position (GRCh38, 1-based): chr17:75,779,072, C>T on the plus strand (G>A on the coding strand, the complement: H3-3B is on the minus strand). VCF-style: chr17-75779072-C-T. GRCh37 (hg19) VCF-style: chr17-73775153-C-T.
Other names: c.103G>A (NM_005324.4); short protein forms G35R.
Identifiers: ClinVar variation 1678706 (VCV001678706.3), dbSNP rs2143631260, ClinGen allele CA401118218.

ClinVar aggregate classification (germline): Pathogenic/Likely pathogenic. Review status: criteria provided, multiple submitters, no conflicts (2 of 4 stars). 2 submissions from 2 submitters: Pathogenic (1); Likely pathogenic (1). Last evaluated 2022-04-18.

Conditions:
Neurodevelopmental disorder. Identifiers: MedGen C1535926, MeSH D065886, MONDO:0700092.

Submissions (2):

GeneDx
Classification: Pathogenic. Last evaluated: 2022-04-18. Review status: criteria provided, single submitter. Criteria: GeneDx Variant Classification Process June 2021. Collection method: clinical testing. Allele origin: germline. Affected: yes.
Comment: Has not been previously reported as a pathogenic or benign germline variant to our knowledge; In silico analysis supports that this missense variant has a deleterious effect on protein structure/function; Not observed in large population cohorts (gnomAD); This variant is associated with the following publications: (PMID: 32995948, 33779999)

Victorian Clinical Genetics Services, Murdoch Childrens Research Institute
Classification: Likely pathogenic for Neurodevelopmental disorder. Last evaluated: 2022-02-02. Review status: criteria provided, single submitter. Criteria: ACMG Guidelines, 2015. Collection method: clinical testing. Allele origin: germline. Inheritance: Autosomal dominant inheritance. Affected: yes.
Comment: Based on the classification scheme VCGS_Germline_v1.3.4, this variant is classified as Likely pathogenic. Following criteria are met: 0105 - The mechanism of disease for this gene is not clearly established. (I) 0107 - This gene is associated with autosomal dominant disease (PMID: 33268356, PMID: 34876591). (I) 0200 - Variant is predicted to result in a missense amino acid change from glycine to arginine. (I) 0251 - This variant is heterozygous. (I) 0301 - Variant is absent from gnomAD (both v2 and v3). (SP) 0501 - Missense variant consistently predicted to be damaging by multiple in silico tools or highly conserved with a major amino acid change. (SP) 0603 - Missense variant in a region that is highly intolerant to missense variation (high constraint region in DECIPHER). (SP) 0705 - No comparable missense variants have previous evidence for pathogenicity. (I) 0807 - This variant has no previous evidence of pathogenicity. (I) 0905 - No published segregation evidence has been identified for this variant. (I) 1007 - No published functional evidence has been identified for this variant. (SP) Legend: (SP) - Supporting pathogenic, (I) - Information, (SB) - Supporting benign

Literature cited by the submitters: PubMed 33268356 (cited by Victorian Clinical Genetics Services, Murdoch Childrens Research Institute); PubMed 34876591 (cited by Victorian Clinical Genetics Services, Murdoch Childrens Research Institute).